The following is an entry in ClinVar:

ClinVar aggregate classification (germline): Uncertain significance (1 of 4 stars; one submission).

Conditions:
Kabuki syndrome. Also called: Kabuki make-up syndrome; NIIKAWA-KUROKI SYNDROME. Identifiers: Orphanet 2322, MedGen C0796004, MONDO:0016512.

Submission:

Labcorp Genetics (formerly Invitae), Labcorp
Classification: Uncertain significance for Kabuki syndrome. Last evaluated: 2024-01-19. Review status: criteria provided, single submitter. Criteria: Invitae Variant Classification Sherloc (09022015). Collection method: clinical testing. Allele origin: germline.
Comment: This sequence change replaces glutamic acid, which is acidic and polar, with glutamine, which is neutral and polar, at codon 73 of the KMT2D protein (p.Glu73Gln). This variant is not present in population databases (gnomAD no frequency). This variant has not been reported in the literature in individuals affected with KMT2D-related conditions. Advanced modeling of protein sequence and biophysical properties (such as structural, functional, and spatial information, amino acid conservation, physicochemical variation, residue mobility, and thermodynamic stability) performed at Invitae indicates that this missense variant is not expected to disrupt KMT2D protein function with a negative predictive value of 95%. In summary, the available evidence is currently insufficient to determine the role of this variant in disease. Therefore, it has been classified as a Variant of Uncertain Significance.

NM_003482.4(KMT2D):c.217G>C (p.Glu73Gln)

Gene: KMT2D (lysine methyltransferase 2D; minus strand). Cytogenetic location: 12q13.12.
Variant type: single nucleotide variant.
Coding change: c.217G>C on transcript NM_003482.4 (MANE Select); coding-DNA position 217, G replaced by C.
Protein change: p.Glu73Gln; replaces glutamic acid 73 with glutamine.
Molecular consequence: missense variant.
Genome position (GRCh38, 1-based): chr12:49,054,711, C>G on the plus strand (G>C on the coding strand, the complement: KMT2D is on the minus strand). VCF-style: chr12-49054711-C-G. GRCh37 (hg19) VCF-style: chr12-49448494-C-G.
Other names: short protein forms E73Q.
Identifiers: ClinVar variation 2887428 (VCV002887428.3), dbSNP rs1350170452, ClinGen allele CA384689094.